The following is an entry in ClinVar:

NM_003872.3(NRP2):c.1875G>A (p.Glu625=)

Gene: NRP2 (neuropilin 2; plus strand). Cytogenetic location: 2q33.3.
Variant type: single nucleotide variant.
Coding change: c.1875G>A on transcript NM_003872.3 (MANE Select); coding-DNA position 1875, G replaced by A.
Protein change: p.Glu625=; no amino-acid change (glutamic acid 625 retained).
Molecular consequence: synonymous variant.
Genome position (GRCh38, 1-based): chr2:205,749,813, G>A. VCF-style: chr2-205749813-G-A. GRCh37 (hg19) VCF-style: chr2-206614537-G-A.
Other names: c.1875G>A, p.Glu625= (NM_018534.4, NM_201266.2, NM_201267.2 and 1 more transcripts).
Identifiers: ClinVar variation 3047618 (VCV003047618.2), dbSNP rs774059263, ClinGen allele CA2069249.

ClinVar aggregate classification (germline): Likely benign (0 of 4 stars; one submission).

Conditions:
NRP2-related disorder. Also called: NRP2-related condition.

Allele frequency attached by ClinVar (database versions not stated): gnomAD 0.00001; gnomAD exomes 0.00001; TOPMed 0.00001; ExAC 0.00002.
gnomAD v4.1: 11 of 1,614,004 alleles (0.00068%); highest among the groups gnomAD compares: Admixed American, 0.018%; no homozygotes.

Submission:

PreventionGenetics, part of Exact Sciences
Classification: Likely benign for NRP2-related condition. Last evaluated: 2021-07-12. Review status: no assertion criteria provided. Collection method: clinical testing. Allele origin: germline.
Comment: This variant is classified as likely benign based on ACMG/AMP sequence variant interpretation guidelines (Richards et al. 2015 PMID: 25741868, with internal and published modifications).